The following is an entry in ClinVar:

ClinVar aggregate classification (germline): Benign. Review status: criteria provided, multiple submitters, no conflicts (2 of 4 stars). 2 submissions from 2 submitters: Benign (2). Last evaluated 2018-06-16.

Allele frequency attached by ClinVar (database versions not stated): ESP Exome Variant Server 0.01646; gnomAD exomes 0.03465 and 0.07813; gnomAD 0.03733 and 0.04275; TOPMed 0.04324; ExAC 0.06761; 1000 Genomes Project 30x 0.08948; 1000 Genomes Project 0.08986.
gnomAD v4.1: 55,125 of 1,549,056 alleles (3.6%); highest among the groups gnomAD compares: Admixed American, 16%; 2,385 homozygotes.

Submissions (2):

GeneDx
Classification: Benign. Last evaluated: 2018-06-16. Review status: criteria provided, single submitter. Criteria: GeneDx Variant Classification (06012015). Collection method: clinical testing. Allele origin: germline. Affected: yes.
Comment: This variant is considered likely benign or benign based on one or more of the following criteria: it is a conservative change, it occurs at a poorly conserved position in the protein, it is predicted to be benign by multiple in silico algorithms, and/or has population frequency not consistent with disease.

Breakthrough Genomics
Classification: Benign. Review status: criteria provided, single submitter. Criteria: ACMG Guidelines, 2015. Collection method: not provided. Allele origin: germline. Inheritance: Autosomal recessive inheritance. Affected: yes.

NM_139343.3(BIN1):c.1002+51C>T

Gene: BIN1 (bridging integrator 1; minus strand). Cytogenetic location: 2q14.3.
Variant type: single nucleotide variant.
Coding change: c.1002+51C>T on transcript NM_139343.3 (MANE Select); 51 bases into the intron after coding-DNA position 1002, C replaced by T.
Molecular consequence: intron variant.
Genome position (GRCh38, 1-based): chr2:127,058,960, G>A on the plus strand (C>T on the coding strand, the complement: BIN1 is on the minus strand). VCF-style: chr2-127058960-G-A. GRCh37 (hg19) VCF-style: chr2-127816536-G-A.
Other names: c.921+51C>T (NM_001320642.1); c.837+51C>T (NM_001320634.1); c.909+51C>T (NM_139351.3, NM_139350.3, NM_139349.3 and 3 more transcripts); c.954+51C>T (NM_001320632.2, NM_004305.4, NM_139346.3); c.1002+51C>T (NM_001320633.2, NM_139345.3, NM_139344.3 and 1 more transcripts).
Identifiers: ClinVar variation 671706 (VCV000671706.2), dbSNP rs2276580, ClinGen allele CA1857211.